The following is an entry in ClinVar:

ClinVar aggregate classification (germline): Benign. Review status: criteria provided, single submitter (1 of 4 stars). 2 submissions from 2 submitters: Benign (1). 1 of the submissions does not count toward it. Last evaluated 2025-09-20.

Conditions:
STAG1-related disorder. Also called: STAG1-related disorders.

Allele frequency attached by ClinVar (database versions not stated): gnomAD exomes 0.00005; ExAC 0.00023; gnomAD 0.00053; TOPMed 0.00053; ESP Exome Variant Server 0.00108; 1000 Genomes Project 0.00120; 1000 Genomes Project 30x 0.00125.
gnomAD v4.1: 143 of 1,498,810 alleles (0.0095%); highest among the groups gnomAD compares: African/African-American, 0.2%; no homozygotes.

Submissions (2):

Labcorp Genetics (formerly Invitae), Labcorp
Classification: Benign. Last evaluated: 2025-09-20. Review status: criteria provided, single submitter. Criteria: Invitae Variant Classification Sherloc (09022015). Collection method: clinical testing. Allele origin: germline.

PreventionGenetics, part of Exact Sciences
Classification: Likely benign for STAG1-related condition. Last evaluated: 2022-07-30. Review status: no assertion criteria provided. Collection method: clinical testing. Allele origin: germline. Not counted in ClinVar's aggregate classification.
Comment: This variant is classified as likely benign based on ACMG/AMP sequence variant interpretation guidelines (Richards et al. 2015 PMID: 25741868, with internal and published modifications).

NM_005862.3(STAG1):c.2545+8T>C

Gene: STAG1 (STAG1 cohesin complex component; minus strand). Cytogenetic location: 3q22.3.
Variant type: single nucleotide variant.
Coding change: c.2545+8T>C on transcript NM_005862.3 (MANE Select); 8 bases into the intron after coding-DNA position 2545, T replaced by C.
Molecular consequence: intron variant.
Genome position (GRCh38, 1-based): chr3:136,369,100, A>G on the plus strand (T>C on the coding strand, the complement: STAG1 is on the minus strand). VCF-style: chr3-136369100-A-G. GRCh37 (hg19) VCF-style: chr3-136087942-A-G.
Other names: c.2545+8T>C (NM_005862.2).
Identifiers: ClinVar variation 2185216 (VCV002185216.6), dbSNP rs150257882, ClinGen allele CA2632570.